The following is an entry in ClinVar:

NM_207163.3(LMOD2):c.462T>C (p.Asp154=)

Gene: LMOD2 (leiomodin 2; plus strand). Cytogenetic location: 7q31.32.
Variant type: single nucleotide variant.
Coding change: c.462T>C on transcript NM_207163.3 (MANE Select); coding-DNA position 462, T replaced by C.
Protein change: p.Asp154=; no amino-acid change (aspartic acid 154 retained).
Molecular consequence: synonymous variant.
Genome position (GRCh38, 1-based): chr7:123,662,048, T>C. VCF-style: chr7-123662048-T-C. GRCh37 (hg19) VCF-style: chr7-123302102-T-C.
Identifiers: ClinVar variation 2657974 (VCV002657974.24), dbSNP rs61999290, ClinGen allele CA4463024.

ClinVar aggregate classification (germline): Benign (1 of 4 stars; one submission).

Allele frequency attached by ClinVar (database versions not stated): 1000 Genomes Project 0.00359; 1000 Genomes Project 30x 0.00359; gnomAD 0.00705; TOPMed 0.00793; gnomAD exomes 0.00898; ESP Exome Variant Server 0.00905; ExAC 0.01561.
gnomAD v4.1: 13,942 of 1,592,700 alleles (0.88%); highest among the groups gnomAD compares: Non-Finnish European, 1.1%; 100 homozygotes.

Submission:

CeGaT Center for Human Genetics Tuebingen
Classification: Benign. Last evaluated: 2026-09-01. Review status: criteria provided, single submitter. Criteria: CeGaT Center For Human Genetics Tuebingen Variant Classification Criteria Version 2. Collection method: clinical testing. Allele origin: germline. Affected: yes. Observed: 4 variant alleles.
Comment: LMOD2: BP4, BP7, BS1, BS2